The following is an entry in ClinVar:

ClinVar aggregate classification (germline): Uncertain significance. Review status: criteria provided, multiple submitters, no conflicts (2 of 4 stars). 4 submissions from 4 submitters: Uncertain significance (4). Last evaluated 2025-12-20.

Conditions:
Hereditary cancer-predisposing syndrome. Also called: Hereditary neoplastic syndrome; Neoplastic Syndromes, Hereditary; Tumor predisposition; Hereditary Cancer Syndrome. Identifiers: Orphanet 140162, MedGen C0027672, MeSH D009386, MONDO:0015356.
Rhabdoid tumor predisposition syndrome 2 (RTPS2). Identifiers: Orphanet 231108, Orphanet 69077, MedGen C2750074, MONDO:0013224, OMIM 613325.

Allele frequency attached by ClinVar (database versions not stated): gnomAD exomes below 0.00001; gnomAD 0.00001; TOPMed 0.00002.
gnomAD v4.1: 3 of 1,613,964 alleles (0.00019%); highest among the groups gnomAD compares: Non-Finnish European, 0.00025%; no homozygotes.

Submissions (4):

Labcorp Genetics (formerly Invitae), Labcorp
Classification: Uncertain significance for Rhabdoid tumor predisposition syndrome 2. Last evaluated: 2025-12-20. Review status: criteria provided, single submitter. Criteria: Invitae Variant Classification Sherloc (09022015). Collection method: clinical testing. Allele origin: germline.
Comment: This sequence change replaces leucine, which is neutral and non-polar, with histidine, which is basic and polar, at codon 1563 of the SMARCA4 protein (p.Leu1563His). This variant is not present in population databases (gnomAD no frequency). This variant has not been reported in the literature in individuals affected with SMARCA4-related conditions. ClinVar contains an entry for this variant (Variation ID: 470415). Invitae Evidence Modeling of protein sequence and biophysical properties (such as structural, functional, and spatial information, amino acid conservation, physicochemical variation, residue mobility, and thermodynamic stability) indicates that this missense variant is expected to disrupt SMARCA4 protein function with a positive predictive value of 80%. In summary, the available evidence is currently insufficient to determine the role of this variant in disease. Therefore, it has been classified as a Variant of Uncertain Significance.

Ambry Genetics
Classification: Uncertain significance for Hereditary cancer-predisposing syndrome. Last evaluated: 2024-07-03. Review status: criteria provided, single submitter. Criteria: Ambry Variant Classification Scheme 2023. Collection method: clinical testing. Allele origin: germline.
Comment: The p.L1563H variant (also known as c.4688T>A), located in coding exon 32 of the SMARCA4 gene, results from a T to A substitution at nucleotide position 4688. The leucine at codon 1563 is replaced by histidine, an amino acid with similar properties. This variant has been detected in multiple individuals with no reported features of Coffin-Siris Syndrome (Ambry internal data). This amino acid position is highly conserved in available vertebrate species. In addition, the in silico prediction for this alteration is inconclusive. Based on the available evidence, the clinical significance of this variant remains unclear.

Quest Diagnostics Nichols Institute San Juan Capistrano
Classification: Uncertain significance. Last evaluated: 2023-12-15. Review status: criteria provided, single submitter. Criteria: Quest Diagnostics criteria. Collection method: clinical testing. Allele origin: unknown.
Comment: The SMARCA4 c.4688T>A (p.Leu1563His) variant has not been reported in individuals with SMARCA4-related conditions in the published literature. It also has not been reported in large, multi-ethnic general populations (Genome Aggregation Database). Analysis of this variant using bioinformatics tools for the prediction of the effect of amino acid changes on protein structure and function yielded predictions that this variant is damaging. Based on the available information, we are unable to determine the clinical significance of this variant.

Baylor Genetics
Classification: Uncertain significance for Rhabdoid tumor predisposition syndrome 2. Last evaluated: 2023-06-21. Review status: criteria provided, single submitter. Criteria: ACMG Guidelines, 2015. Collection method: clinical testing. Allele origin: unknown.

NM_003072.5(SMARCA4):c.4592T>A (p.Leu1531His)

Gene: SMARCA4 (SWI/SNF related BAF chromatin remodeling complex subunit ATPase 4; plus strand). Cytogenetic location: 19p13.2.
Variant type: single nucleotide variant.
Coding change: c.4592T>A on transcript NM_003072.5 (MANE Select); coding-DNA position 4592, T replaced by A.
Protein change: p.Leu1531His; replaces leucine 1531 with histidine.
Molecular consequence: missense variant. On other transcripts: non-coding transcript variant (1).
Genome position (GRCh38, 1-based): chr19:11,058,846, T>A. VCF-style: chr19-11058846-T-A. GRCh37 (hg19) VCF-style: chr19-11169522-T-A.
Other names: c.4592T>A, p.Leu1531His (NM_001128844.3); c.4502T>A, p.Leu1501His (NM_001128845.2); c.4499T>A, p.Leu1500His (NM_001128846.2); c.4493T>A, p.Leu1498His (NM_001128847.4, NM_001374457.1); c.4490T>A, p.Leu1497His (NM_001128848.2); c.4688T>A, p.Leu1563His (NM_001128849.3, NM_001387283.1); short protein forms L1563H, L1531H, L1498H, L1497H, L1501H, L1500H.
Identifiers: ClinVar variation 470415 (VCV000470415.12), dbSNP rs1389184364, ClinGen allele CA404078951.